The following is an entry in ClinVar:

NM_001035.3(RYR2):c.2629C>T (p.His877Tyr)

Gene: RYR2 (ryanodine receptor 2; plus strand). Cytogenetic location: 1q43.
Variant type: single nucleotide variant.
Coding change: c.2629C>T on transcript NM_001035.3 (MANE Select); coding-DNA position 2629, C replaced by T.
Protein change: p.His877Tyr; replaces histidine 877 with tyrosine.
Molecular consequence: missense variant.
Genome position (GRCh38, 1-based): chr1:237,506,725, C>T. VCF-style: chr1-237506725-C-T. GRCh37 (hg19) VCF-style: chr1-237670025-C-T.
Other names: p.H877Y:CAT>TAT; c.2629C>T, p.His877Tyr (LRG_402t1); short protein forms H877Y.
Identifiers: ClinVar variation 201231 (VCV000201231.32), dbSNP rs372575878, ClinGen allele CA008904.

ClinVar aggregate classification (germline): Conflicting classifications of pathogenicity. Review status: criteria provided, conflicting classifications (1 of 4 stars). 7 submissions from 7 submitters: Uncertain significance (4); Likely benign (3). Last evaluated 2026-01-19.

Conditions:
Cardiovascular phenotype. Identifiers: MedGen CN230736.
Catecholaminergic polymorphic ventricular tachycardia (CVPT). Also called: Catecholamine-induced polymorphic ventricular tachycardia. Identifiers: Orphanet 3286, MedGen C5574922, MONDO:0017990.
Cardiomyopathy (CMYO). Also called: Cardiomyopathies. Identifiers: Orphanet 167848, MedGen C0878544, MONDO:0004994, HP:0001638. Inheritance: Various modes of inheritance.
Catecholaminergic polymorphic ventricular tachycardia 1. Also called: VENTRICULAR TACHYCARDIA, CATECHOLAMINERGIC POLYMORPHIC, 1, WITH OR WITHOUT ATRIAL DYSFUNCTION AND/OR DILATED CARDIOMYOPATHY; VENTRICULAR TACHYCARDIA, STRESS-INDUCED POLYMORPHIC 1; RYR2-Related Catecholaminergic Polymorphic Ventricular Tachycardia. Identifiers: Orphanet 3286, MedGen C1631597, MONDO:0011484, OMIM 604772.

Allele frequency attached by ClinVar (database versions not stated): gnomAD 0.00004; ESP Exome Variant Server 0.00008; TOPMed 0.00008; gnomAD exomes 0.00009 and 0.00010; ExAC 0.00011.
gnomAD v4.1: 154 of 1,612,410 alleles (0.0096%); highest among the groups gnomAD compares: Admixed American, 0.013%; no homozygotes.

Submissions (7):

Labcorp Genetics (formerly Invitae), Labcorp
Classification: Likely benign for Catecholaminergic polymorphic ventricular tachycardia 1. Last evaluated: 2026-01-19. Review status: criteria provided, single submitter. Criteria: Invitae Variant Classification Sherloc (09022015). Collection method: clinical testing. Allele origin: germline.

Women's Health and Genetics/Laboratory Corporation of America, LabCorp
Classification: Likely benign. Last evaluated: 2026-01-08. Review status: criteria provided, single submitter. Criteria: LabCorp Variant Classification Summary - May 2015. Collection method: clinical testing. Allele origin: germline.
Comment: Variant summary: RYR2 c.2629C>T (p.His877Tyr) results in a conservative amino acid change in the encoded protein sequence. Algorithms developed to predict the effect of missense changes on protein structure and function are either unavailable or do not agree on the potential impact of this missense change. The variant allele was found at a frequency of 9.6e-05 in 249522 control chromosomes. The observed variant frequency exceeds the estimated maximal expected allele frequency for disease-causing variants in RYR2. To our knowledge, no occurrence of c.2629C>T in individuals affected with RYR2-related conditions and no experimental evidence demonstrating its impact on protein function have been reported. The following publication has been ascertained in the context of this evaluation (PMID: 35819174). ClinVar contains an entry for this variant (Variation ID: 201231). Based on the evidence outlined above, the variant was classified as likely benign.

Ambry Genetics
Classification: Uncertain significance for Cardiovascular phenotype. Last evaluated: 2025-05-30. Review status: criteria provided, single submitter. Criteria: Ambry Variant Classification Scheme 2023. Collection method: clinical testing. Allele origin: germline.
Comment: The p.H877Y variant (also known as c.2629C>T), located in coding exon 23 of the RYR2 gene, results from a C to T substitution at nucleotide position 2629. The histidine at codon 877 is replaced by tyrosine, an amino acid with similar properties. This amino acid position is highly conserved in available vertebrate species. In addition, the in silico prediction for this alteration is inconclusive. Since supporting evidence is limited at this time, the clinical significance of this alteration remains unclear.

Blueprint Genetics
Classification: Likely benign. Last evaluated: 2024-08-14. Review status: criteria provided, single submitter. Criteria: ACMG Guidelines, 2015. Collection method: clinical testing. Allele origin: germline.

All of Us Research Program, National Institutes of Health
Classification: Uncertain significance for Catecholaminergic polymorphic ventricular tachycardia. Last evaluated: 2024-08-06. Review status: criteria provided, single submitter. Criteria: ACMG Guidelines, 2015. Collection method: clinical testing. Allele origin: germline. Inheritance: Autosomal dominant inheritance. Observed: 26 variant alleles, 26 heterozygotes.
Comment: This missense variant replaces histidine with tyrosine at codon 877 of the RYR2 protein. Computational prediction suggests that this variant may have deleterious impact on protein structure and function (internally defined REVEL score threshold >= 0.7, PMID: 27666373). To our knowledge, functional studies have not been reported for this variant. This variant has not been reported in individuals affected with cardiovascular disorders in the literature. This variant has been identified in 24/279190 chromosomes in the general population by the Genome Aggregation Database (gnomAD). The available evidence is insufficient to determine the role of this variant in disease conclusively. Therefore, this variant is classified as a Variant of Uncertain Significance.

This study involves interpretation of variants in research participants for the purpose of population health screening. Participant phenotype was not available at the time of variant classification. Additional details can be found in publication PMID: 35346344, PMCID: PMC8962531

Color Diagnostics, LLC DBA Color Health
Classification: Uncertain significance for Cardiomyopathy. Last evaluated: 2024-02-14. Review status: criteria provided, single submitter. Criteria: ACMG Guidelines, 2015. Collection method: clinical testing. Allele origin: germline.
Comment: This missense variant replaces histidine with tyrosine at codon 877 of the RYR2 protein. Computational prediction suggests that this variant may have deleterious impact on protein structure and function (internally defined REVEL score threshold >= 0.7, PMID: 27666373). To our knowledge, functional studies have not been reported for this variant. This variant has not been reported in individuals affected with RYR2-related disorders in the literature. This variant has been identified in 24/279190 chromosomes in the general population by the Genome Aggregation Database (gnomAD). The available evidence is insufficient to determine the role of this variant in disease conclusively. Therefore, this variant is classified as a Variant of Uncertain Significance.

GeneDx
Classification: Uncertain significance. Last evaluated: 2023-12-06. Review status: criteria provided, single submitter. Criteria: GeneDx Variant Classification Process June 2021. Collection method: clinical testing. Allele origin: germline. Affected: yes.
Comment: Has not been previously published as pathogenic or benign to our knowledge; Not located in one of the three hot-spot regions of the RYR2 gene, where the majority of pathogenic missense variants occur (PMID: 19926015); In silico analysis supports that this missense variant has a deleterious effect on protein structure/function; This variant is associated with the following publications: (PMID: 19926015)

Literature cited by the submitters: PubMed 35819174 (cited by Women's Health and Genetics/Laboratory Corporation of America, LabCorp).